The following is an entry in ClinVar:

ClinVar aggregate classification (germline): Benign/Likely benign. Review status: criteria provided, multiple submitters, no conflicts (2 of 4 stars). 4 submissions from 4 submitters: Benign (1); Likely benign (3). Last evaluated 2025-06-23.

Conditions:
Hereditary cancer-predisposing syndrome. Also called: Neoplastic Syndromes, Hereditary; Hereditary neoplastic syndrome; Tumor predisposition; Hereditary Cancer Syndrome. Identifiers: Orphanet 140162, MedGen C0027672, MeSH D009386, MONDO:0015356.
Peutz-Jeghers syndrome (PJS). Also called: Peutz-Jeghers polyposis; Periorificial lentiginosis syndrome; POLYPOSIS, HAMARTOMATOUS INTESTINAL; POLYPS-AND-SPOTS SYNDROME. Identifiers: Orphanet 2869, MedGen C0031269, MeSH D010580, MONDO:0008280, OMIM 175200.

Submissions (4):

Ambry Genetics
Classification: Likely benign for Hereditary cancer-predisposing syndrome. Last evaluated: 2025-06-23. Review status: criteria provided, single submitter. Criteria: Ambry Variant Classification Scheme 2023. Collection method: clinical testing. Allele origin: germline.

Labcorp Genetics (formerly Invitae), Labcorp
Classification: Likely benign for Peutz-Jeghers syndrome. Last evaluated: 2025-04-14. Review status: criteria provided, single submitter. Criteria: Invitae Variant Classification Sherloc (09022015). Collection method: clinical testing. Allele origin: germline.

Myriad Genetics, Inc.
Classification: Benign for Peutz-Jeghers syndrome. Last evaluated: 2025-03-28. Review status: criteria provided, single submitter. Criteria: Myriad Autosomal Dominant, Autosomal Recessive and X-Linked Classification Criteria (2023). Collection method: clinical testing. Allele origin: unknown.
Comment: This variant is considered benign. This variant is a silent/synonymous amino acid change and it is not expected to impact splicing.

Color Diagnostics, LLC DBA Color Health
Classification: Likely benign for Hereditary cancer-predisposing syndrome. Last evaluated: 2023-01-23. Review status: criteria provided, single submitter. Criteria: ACMG Guidelines, 2015. Collection method: clinical testing. Allele origin: germline.

NM_000455.5(STK11):c.1086C>T (p.Tyr362=)

Genes: STK11 (serine/threonine kinase 11; plus strand), LOC130062899 (ATAC-STARR-seq lymphoblastoid active region 13597; plus strand). Cytogenetic location: 19p13.3.
Variant type: single nucleotide variant.
Coding change: c.1086C>T on transcript NM_000455.5 (MANE Select); coding-DNA position 1086, C replaced by T.
Protein change: p.Tyr362=; no amino-acid change (tyrosine 362 retained).
Molecular consequence: synonymous variant.
Genome position (GRCh38, 1-based): chr19:1,223,150, C>T. VCF-style: chr19-1223150-C-T. GRCh37 (hg19) VCF-style: chr19-1223149-C-T.
Other names: c.1086C>T (NM_000455.4).
Identifiers: ClinVar variation 1674683 (VCV001674683.12), dbSNP rs2145431412, ClinGen allele CA504707798.